The following is an entry in ClinVar:

NM_005529.7(HSPG2):c.6468C>T (p.Ile2156=)

Genes: HSPG2 (heparan sulfate proteoglycan 2; minus strand), LOC126805655 (CDK7 strongly-dependent group 2 enhancer GRCh37_chr1:22178409-22179608; plus strand). Cytogenetic location: 1p36.12.
Variant type: single nucleotide variant.
Coding change: c.6468C>T on transcript NM_005529.7 (MANE Select); coding-DNA position 6468, C replaced by T.
Protein change: p.Ile2156=; no amino-acid change (isoleucine 2156 retained).
Molecular consequence: synonymous variant.
Genome position (GRCh38, 1-based): chr1:21,853,042, G>A on the plus strand (C>T on the coding strand, the complement: HSPG2 is on the minus strand). VCF-style: chr1-21853042-G-A. GRCh37 (hg19) VCF-style: chr1-22179535-G-A.
Other names: c.6468C>T (NM_005529.6); c.6471C>T, p.Ile2157= (NM_001291860.2).
Identifiers: ClinVar variation 874390 (VCV000874390.37), dbSNP rs369970075, ClinGen allele CA671533.
Genomic context (GRCh38, chr1:21,853,042, plus strand): 5'-GGGCACCACGCAGTTCAGATCCAGGGTCTGCCCTTCCGCCACGTGTGAGGAGGAGGGCTC[G>A]ATGCGGATGGGCCGGGTGCTGCCGGGCACTGGACACAGAGCGGCTGCTCAGAGGCCTGAA-3'
Protein context (NP_005520.4, residues 2146-2166): PVPGSTRPIR[Ile2156=]EPSSSHVAEG

ClinVar aggregate classification (germline): Conflicting classifications of pathogenicity. Review status: criteria provided, conflicting classifications (1 of 4 stars). 6 submissions from 5 submitters: Uncertain significance (2); Benign (2); Likely benign (2). Last evaluated 2025-11-02.

Conditions:
Lethal Kniest-like syndrome (DDSH). Also called: Dyssegmental Dysplasia. Identifiers: Orphanet 1865, MedGen C1857100, MONDO:0009140, OMIM 224410.
Schwartz-Jampel syndrome. Also called: Myotonic myopathy dwarfism chondrodystrophy and ocular and facial abnormalities. Identifiers: Orphanet 800, MedGen C0036391, MONDO:0009717.

Allele frequency attached by ClinVar (database versions not stated): ESP Exome Variant Server 0.00008; gnomAD exomes 0.00009 and 0.00020; gnomAD 0.00011 and 0.00012; TOPMed 0.00012; ExAC 0.00015.
gnomAD v4.1: 155 of 1,613,808 alleles (0.0096%); highest among the groups gnomAD compares: Non-Finnish European, 0.0023%; no homozygotes.

Submissions (6):

Labcorp Genetics (formerly Invitae), Labcorp
Classification: Benign. Last evaluated: 2025-11-02. Review status: criteria provided, single submitter. Criteria: Invitae Variant Classification Sherloc (09022015). Collection method: clinical testing. Allele origin: germline.

Athena Diagnostics
Classification: Benign. Last evaluated: 2024-10-29. Review status: criteria provided, single submitter. Criteria: Athena Diagnostics Criteria. Collection method: clinical testing. Allele origin: unknown.

Blueprint Genetics
Classification: Likely benign. Last evaluated: 2024-10-09. Review status: criteria provided, single submitter. Criteria: ACMG Guidelines, 2015. Collection method: clinical testing. Allele origin: germline.

CeGaT Center for Human Genetics Tuebingen
Classification: Likely benign. Last evaluated: 2023-04-01. Review status: criteria provided, single submitter. Criteria: CeGaT Center For Human Genetics Tuebingen Variant Classification Criteria Version 2. Collection method: clinical testing. Allele origin: germline. Affected: yes. Observed: 1 variant allele.
Comment: HSPG2: BP4, BP7

Illumina Laboratory Services, Illumina
Classification: Uncertain significance for Schwartz-Jampel syndrome type 1. Last evaluated: 2018-01-13. Review status: criteria provided, single submitter. Criteria: ICSL Variant Classification Criteria 13 December 2019. Collection method: clinical testing. Allele origin: germline.

Illumina Laboratory Services, Illumina
Classification: Uncertain significance for Lethal Kniest-like syndrome. Last evaluated: 2018-01-13. Review status: criteria provided, single submitter. Criteria: ICSL Variant Classification Criteria 13 December 2019. Collection method: clinical testing. Allele origin: germline.